The following is an entry in ClinVar:

NM_015046.7(SETX):c.389-9del

Gene: SETX (senataxin; minus strand). Cytogenetic location: 9q34.13.
Variant type: Deletion.
Coding change: c.389-9del on transcript NM_015046.7 (MANE Select); 9 bases into the intron before coding-DNA position 389, one base deleted (T; older notation c.389-9delT).
Molecular consequence: intron variant.
Genome position (GRCh38, 1-based): chr9:132,342,808, A deleted on the plus strand (T on the coding strand, the reverse complement: SETX is on the minus strand); the first of 7 consecutive A bases (chr9:132,342,808-132,342,814); deleting any one gives the same sequence. VCF-style (leftmost placement, unchanged base first): chr9-132342807-GA-G. GRCh37 (hg19) VCF-style: chr9-135218194-GA-G.
Other names: c.389-9del (NM_001351528.2, NM_001351527.2).
Identifiers: ClinVar variation 365377 (VCV000365377.15), dbSNP rs534931548, ClinGen allele CA5298052.
Genomic context (GRCh38, chr9:132,342,807, plus strand): 5'-AAAGGAGCAATTGGCTTGTTCCATCCGACAAAGTGCTTCAACACATAACTCGTCTAAAAA[GA>G]AAAAAATAAGTAAAATACATAAATCTTATCACCTTATCAAGATTCCCTAAATTAGGCTCC-3'

ClinVar aggregate classification (germline): Benign/Likely benign. Review status: criteria provided, multiple submitters, no conflicts (2 of 4 stars). 3 submissions from 3 submitters: Benign (1); Likely benign (1). 1 of the submissions does not count toward it. Last evaluated 2025-09-01.

Conditions:
SETX-related disorder. Also called: SETX-related condition; SETX-related disorders. Identifiers: MedGen CN239403.
Spinocerebellar ataxia, autosomal recessive, with axonal neuropathy 2 (SCAN2). Also called: Ataxia-ocular apraxia-2; ATAXIA-OCULOMOTOR APRAXIA 2; Ataxia with Oculomotor Apraxia; Ataxia with Oculomotor Apraxia Type 2. Identifiers: Orphanet 64753, MedGen C1853761, MONDO:0018996, OMIM 606002.
Amyotrophic lateral sclerosis type 4 (ALS4). Also called: AMYOTROPHIC LATERAL SCLEROSIS 4, JUVENILE; NEURONOPATHY, DISTAL HEREDITARY MOTOR, WITH PYRAMIDAL FEATURES. Identifiers: Orphanet 357043, MedGen C1865409, MONDO:0011223, OMIM 602433.

Submissions (3):

Labcorp Genetics (formerly Invitae), Labcorp
Classification: Benign for Amyotrophic lateral sclerosis type 4; Spinocerebellar ataxia, autosomal recessive, with axonal neuropathy 2. Last evaluated: 2025-09-01. Review status: criteria provided, single submitter. Criteria: Invitae Variant Classification Sherloc (09022015). Collection method: clinical testing. Allele origin: germline.

Blueprint Genetics
Classification: Likely benign. Last evaluated: 2024-11-20. Review status: criteria provided, single submitter. Criteria: ACMG Guidelines, 2015. Collection method: clinical testing. Allele origin: germline.

PreventionGenetics, part of Exact Sciences
Classification: Likely benign for SETX-related condition. Last evaluated: 2023-05-23. Review status: no assertion criteria provided. Collection method: clinical testing. Allele origin: germline. Not counted in ClinVar's aggregate classification.
Comment: This variant is classified as likely benign based on ACMG/AMP sequence variant interpretation guidelines (Richards et al. 2015 PMID: 25741868, with internal and published modifications).